The following is an entry in ClinVar:

NM_012431.3(SEMA3E):c.998+10T>C

Gene: SEMA3E (semaphorin 3E; minus strand). Cytogenetic location: 7q21.11.
Variant type: single nucleotide variant.
Coding change: c.998+10T>C on transcript NM_012431.3 (MANE Select); 10 bases into the intron after coding-DNA position 998, T replaced by C.
Molecular consequence: intron variant.
Genome position (GRCh38, 1-based): chr7:83,405,440, A>G on the plus strand (T>C on the coding strand, the complement: SEMA3E is on the minus strand). VCF-style: chr7-83405440-A-G. GRCh37 (hg19) VCF-style: chr7-83034756-A-G.
Other names: c.818+10T>C (NM_001178129.2); c.998+10T>C (NM_012431.2).
Identifiers: ClinVar variation 1531263 (VCV001531263.9), dbSNP rs769133097, ClinGen allele CA4322143.

ClinVar aggregate classification (germline): Likely benign. Review status: criteria provided, single submitter (1 of 4 stars). 2 submissions from 2 submitters: Likely benign (1). 1 of the submissions does not count toward it. Last evaluated 2025-11-09.

Conditions:
CHARGE syndrome (CHARGE). Also called: Coloboma, heart anomaly, choanal atresia, retardation, genital and ear anomalies; CHARGE association; Hall-Hittner syndrome; Hittner Hirsch Kreh syndrome; CHARGE ASSOCIATION--COLOBOMA, HEART ANOMALY, CHOANAL ATRESIA, RETARDATION, GENITAL AND EAR ANOMALIES. Identifiers: Orphanet 138, MedGen C0265354, MONDO:0008965.
SEMA3E-related disorder. Also called: SEMA3E-related condition.

Allele frequency attached by ClinVar (database versions not stated): gnomAD exomes 0.00004 and 0.00005; gnomAD 0.00005; TOPMed 0.00008.
gnomAD v4.1: 75 of 1,601,044 alleles (0.0047%); highest among the groups gnomAD compares: Non-Finnish European, 0.0061%; no homozygotes.

Submissions (2):

Labcorp Genetics (formerly Invitae), Labcorp
Classification: Likely benign for CHARGE syndrome. Last evaluated: 2025-11-09. Review status: criteria provided, single submitter. Criteria: Invitae Variant Classification Sherloc (09022015). Collection method: clinical testing. Allele origin: germline.

PreventionGenetics, part of Exact Sciences
Classification: Likely benign for SEMA3E-related condition. Last evaluated: 2024-06-27. Review status: no assertion criteria provided. Collection method: clinical testing. Allele origin: germline. Not counted in ClinVar's aggregate classification.
Comment: This variant is classified as likely benign based on ACMG/AMP sequence variant interpretation guidelines (Richards et al. 2015 PMID: 25741868, with internal and published modifications).